The following is an entry in ClinVar:

NM_174941.6(CD163L1):c.3243G>A (p.Val1081=)

Gene: CD163L1 (CD163 molecule like 1; minus strand). Cytogenetic location: 12p13.31.
Variant type: single nucleotide variant.
Coding change: c.3243G>A on transcript NM_174941.6 (MANE Select); coding-DNA position 3243, G replaced by A.
Protein change: p.Val1081=; no amino-acid change (valine 1081 retained).
Molecular consequence: synonymous variant.
Genome position (GRCh38, 1-based): chr12:7,374,608, C>T on the plus strand (G>A on the coding strand, the complement: CD163L1 is on the minus strand). VCF-style: chr12-7374608-C-T. GRCh37 (hg19) VCF-style: chr12-7527204-C-T.
Other names: c.3273G>A, p.Val1091= (NM_001297650.2).
Identifiers: ClinVar variation 2642678 (VCV002642678.24), dbSNP rs1565779753, ClinGen allele CA478524155.

ClinVar aggregate classification (germline): Likely benign (1 of 4 stars; one submission).

Allele frequency attached by ClinVar (database versions not stated): gnomAD exomes below 0.00001.
gnomAD v4.1: 5 of 1,614,190 alleles (0.00031%); highest among the groups gnomAD compares: Non-Finnish European, 0.00042%; no homozygotes.

Submission:

CeGaT Center for Human Genetics Tuebingen
Classification: Likely benign. Last evaluated: 2026-05-01. Review status: criteria provided, single submitter. Criteria: CeGaT Center For Human Genetics Tuebingen Variant Classification Criteria Version 2. Collection method: clinical testing. Allele origin: germline. Affected: yes. Observed: 2 variant alleles.
Comment: CD163L1: BP4, BP7